The following is an entry in ClinVar:

NM_020921.4(NIN):c.4671A>C (p.Lys1557Asn)

Gene: NIN (ninein; minus strand). Cytogenetic location: 14q22.1.
Variant type: single nucleotide variant.
Coding change: c.4671A>C on transcript NM_020921.4 (MANE Select); coding-DNA position 4671, A replaced by C.
Protein change: p.Lys1557Asn; replaces lysine 1557 with asparagine.
Molecular consequence: missense variant.
Genome position (GRCh38, 1-based): chr14:50,754,626, T>G on the plus strand (A>C on the coding strand, the complement: NIN is on the minus strand). VCF-style: chr14-50754626-T-G. GRCh37 (hg19) VCF-style: chr14-51221344-T-G.
Other names: c.2532A>C, p.Lys844Asn (NM_016350.5); c.4671A>C, p.Lys1557Asn (NM_182944.3, NM_182946.2); c.4671A>C (NM_020921.3); short protein forms K844N, K1557N.
Identifiers: ClinVar variation 1964502 (VCV001964502.6), dbSNP rs893911596, ClinGen allele CA260826447.
Genomic context (GRCh38, chr14:50,754,626, plus strand): 5'-TTTCTTTAAATTTTCAACCATCTTCTGAACTGCAGCATTTTCTTGTTTTACAGTTTCCGT[T>G]TTTTGCCTAAAAGGAATGATGAAAATAAAATTTAATGGTTAGGCTTTAAAAGCTGAAGTA-3'
Protein context (NP_065972.4, residues 1547-1567): LNGSQEEMWQ[Lys1557Asn]TETVKQENAA

ClinVar aggregate classification (germline): Uncertain significance. Review status: criteria provided, multiple submitters, no conflicts (2 of 4 stars). 2 submissions from 2 submitters: Uncertain significance (2). Last evaluated 2025-11-13.

Allele frequency attached by ClinVar (database versions not stated): gnomAD exomes below 0.00001; gnomAD 0.00001; TOPMed 0.00002.

Submissions (2):

Ambry Genetics
Classification: Uncertain significance. Last evaluated: 2025-11-13. Review status: criteria provided, single submitter. Criteria: Ambry Variant Classification Scheme 2023. Collection method: clinical testing. Allele origin: germline.

Labcorp Genetics (formerly Invitae), Labcorp
Classification: Uncertain significance. Last evaluated: 2025-10-16. Review status: criteria provided, single submitter. Criteria: Invitae Variant Classification Sherloc (09022015). Collection method: clinical testing. Allele origin: germline.
Comment: This sequence change replaces lysine, which is basic and polar, with asparagine, which is neutral and polar, at codon 1557 of the NIN protein (p.Lys1557Asn). This variant is present in population databases (no rsID available, gnomAD 0.01%). This variant has not been reported in the literature in individuals affected with NIN-related conditions. ClinVar contains an entry for this variant (Variation ID: 1964502). An algorithm developed to predict the effect of missense changes on protein structure and function outputs the following: PolyPhen-2: "Benign". The asparagine amino acid residue is found in multiple mammalian species, which suggests that this missense change does not adversely affect protein function. In summary, the available evidence is currently insufficient to determine the role of this variant in disease. Therefore, it has been classified as a Variant of Uncertain Significance.